The following is an entry in ClinVar:

ClinVar aggregate classification (germline): Uncertain significance (1 of 4 stars; one submission).

Conditions:
Hereditary cancer-predisposing syndrome. Also called: Neoplastic Syndromes, Hereditary; Tumor predisposition; Hereditary Cancer Syndrome; Hereditary neoplastic syndrome. Identifiers: Orphanet 140162, MedGen C0027672, MeSH D009386, MONDO:0015356.

Submission:

Color Diagnostics, LLC DBA Color Health
Classification: Uncertain significance for Hereditary cancer-predisposing syndrome. Last evaluated: 2022-03-01. Review status: criteria provided, single submitter. Criteria: ACMG Guidelines, 2015. Collection method: clinical testing. Allele origin: germline.
Comment: This missense variant replaces glutamine with histidine at codon 136 of the CDH1 protein. To our knowledge, functional studies have not been reported for this variant. This variant has not been reported in individuals affected with hereditary cancer in the literature. This variant has not been identified in the general population by the Genome Aggregation Database (gnomAD). The available evidence is insufficient to determine the role of this variant in disease conclusively. Therefore, this variant is classified as a Variant of Uncertain Significance.

NM_004360.5(CDH1):c.408A>C (p.Gln136His)

Gene: CDH1 (cadherin 1; plus strand). Cytogenetic location: 16q22.1.
Variant type: single nucleotide variant.
Coding change: c.408A>C on transcript NM_004360.5 (MANE Select); coding-DNA position 408, A replaced by C.
Protein change: p.Gln136His; replaces glutamine 136 with histidine.
Molecular consequence: missense variant. On other transcripts: 5 prime UTR variant (2).
Genome position (GRCh38, 1-based): chr16:68,808,444, A>C. VCF-style: chr16-68808444-A-C. GRCh37 (hg19) VCF-style: chr16-68842347-A-C.
Other names: c.408A>C, p.Gln136His (NM_001317184.2); c.-1208A>C (NM_001317185.2); c.-1412A>C (NM_001317186.2); short protein forms Q136H.
Identifiers: ClinVar variation 2775027 (VCV002775027.2), dbSNP rs1060501229, ClinGen allele CA396457556.
Genomic context (GRCh38, chr16:68,808,444, plus strand): 5'-TGAATTGTCTTATCTTGTTCCTCATCTTCTTTCCTTTTAGGCCTCCGTTTCTGGAATCCA[A>C]GCAGAATTGCTCACATTTCCCAACTCCTCTCCTGGCCTCAGAAGACAGAAGAGAGACTGG-3'
Protein context (NP_004351.1, residues 126-146): PPHQASVSGI[Gln136His]AELLTFPNSS